The following is an entry in ClinVar:

NM_000038.6(APC):c.1313-2A>C

Gene: APC (APC regulator of Wnt signaling pathway; plus strand). Cytogenetic location: 5q22.2.
Variant type: single nucleotide variant.
Coding change: c.1313-2A>C on transcript NM_000038.6 (MANE Select); the canonical splice acceptor site of the intron before coding-DNA position 1313, A replaced by C.
Molecular consequence: splice acceptor variant.
Genome position (GRCh38, 1-based): chr5:112,821,894, A>C. VCF-style: chr5-112821894-A-C. GRCh37 (hg19) VCF-style: chr5-112157591-A-C.
Other names: c.1010-2A>C (NM_001407458.1, NM_001407455.1, NM_001407459.1 and 5 more transcripts); c.1136-2A>C (NM_001407453.1, NM_001354900.2, NM_001354901.2); c.1313-2A>C (NM_001407449.1, NM_001127510.3, NM_001354896.2 and 4 more transcripts); c.1238-2A>C (NM_001407451.1, NM_001354898.2); c.935-2A>C (NM_001354904.2); c.464-2A>C (NM_001354906.2, NM_001407470.1); c.161-2A>C (NM_001407471.1, NM_001407472.1); c.1229-2A>C (NM_001354899.2, NM_001407452.1); and 5 more.
Identifiers: ClinVar variation 1066995 (VCV001066995.8), dbSNP rs1561545780, ClinGen allele CA360619528.

ClinVar aggregate classification (germline): Likely pathogenic (1 of 4 stars; one submission).

Conditions:
Familial adenomatous polyposis 1 (FAP1). Also called: FAMILIAL ADENOMATOUS POLYPOSIS 1, ATTENUATED; POLYPOSIS, ADENOMATOUS INTESTINAL. Identifiers: MedGen C2713442, MONDO:0021056, OMIM 175100. Disease mechanism: loss of function.

Allele frequency attached by ClinVar (database versions not stated): gnomAD exomes below 0.00001.
gnomAD v4.1: 2 of 1,610,440 alleles (0.00012%); highest among the groups gnomAD compares: South Asian, 0.0022%; no homozygotes.

Submission:

Labcorp Genetics (formerly Invitae), Labcorp
Classification: Likely pathogenic for Familial adenomatous polyposis 1. Last evaluated: 2020-03-22. Review status: criteria provided, single submitter. Criteria: Invitae Variant Classification Sherloc (09022015). Collection method: clinical testing. Allele origin: germline.
Comment: In summary, the currently available evidence indicates that the variant is pathogenic, but additional data are needed to prove that conclusively. Therefore, this variant has been classified as Likely Pathogenic. Donor and acceptor splice site variants typically lead to a loss of protein function (PMID: 16199547), and loss-of-function variants in APC are known to be pathogenic (PMID: 17963004, 20685668). Algorithms developed to predict the effect of sequence changes on RNA splicing suggest that this variant may disrupt the consensus splice site, but this prediction has not been confirmed by published transcriptional studies. This variant has not been reported in the literature in individuals with APC-related conditions. This variant is not present in population databases (ExAC no frequency). This sequence change affects an acceptor splice site in intron 10 of the APC gene. It is expected to disrupt RNA splicing and likely results in an absent or disrupted protein product.

Literature cited by the submitters: PubMed 16199547; PubMed 17963004; PubMed 20685668.